The following is an entry in ClinVar:

ClinVar aggregate classification (germline): Uncertain significance (1 of 4 stars; one submission).

Conditions:
Hereditary cancer-predisposing syndrome. Also called: Neoplastic Syndromes, Hereditary; Tumor predisposition; Hereditary Cancer Syndrome; Hereditary neoplastic syndrome. Identifiers: Orphanet 140162, MedGen C0027672, MeSH D009386, MONDO:0015356.

Submission:

Ambry Genetics
Classification: Uncertain significance for Hereditary cancer-predisposing syndrome. Last evaluated: 2021-12-11. Review status: criteria provided, single submitter. Criteria: Ambry Variant Classification Scheme 2023. Collection method: clinical testing. Allele origin: germline.
Comment: The p.S31T variant (also known as c.91T>A), located in coding exon 1 of the HOXB13 gene, results from a T to A substitution at nucleotide position 91. The serine at codon 31 is replaced by threonine, an amino acid with similar properties. This amino acid position is conserved. In addition, this alteration is predicted to be tolerated by in silico analysis. Since supporting evidence is limited at this time, the clinical significance of this alteration remains unclear.

NM_006361.6(HOXB13):c.91T>A (p.Ser31Thr)

Gene: HOXB13 (homeobox B13; minus strand). Cytogenetic location: 17q21.32.
Variant type: single nucleotide variant.
Coding change: c.91T>A on transcript NM_006361.6 (MANE Select); coding-DNA position 91, T replaced by A.
Protein change: p.Ser31Thr; replaces serine 31 with threonine.
Molecular consequence: missense variant.
Genome position (GRCh38, 1-based): chr17:48,728,503, A>T on the plus strand (T>A on the coding strand, the complement: HOXB13 is on the minus strand). VCF-style: chr17-48728503-A-T. GRCh37 (hg19) VCF-style: chr17-46805865-A-T.
Other names: short protein forms S31T.
Identifiers: ClinVar variation 1766178 (VCV001766178.2), dbSNP rs1597935143, ClinGen allele CA400109449.